The following is an entry in ClinVar:

NM_024649.5(BBS1):c.1779C>T (p.Ala593=)

Genes: ZDHHC24 (zDHHC palmitoyltransferase 24; minus strand), BBS1 (Bardet-Biedl syndrome 1; plus strand). Cytogenetic location: 11q13.2.
Variant type: single nucleotide variant.
Coding change: c.1779C>T on transcript NM_024649.5 (MANE Select); coding-DNA position 1779, C replaced by T.
Protein change: p.Ala593=; no amino-acid change (alanine 593 retained).
Molecular consequence: synonymous variant. On other transcripts: intron variant (1).
Genome position (GRCh38, 1-based): chr11:66,532,034, C>T. VCF-style: chr11-66532034-C-T. GRCh37 (hg19) VCF-style: chr11-66299505-C-T.
Other names: c.560-2546G>A (NM_001348571.2).
Identifiers: ClinVar variation 1145164 (VCV001145164.10), dbSNP rs1262928353, ClinGen allele CA475342490.
Genomic context (GRCh38, chr11:66,532,034, plus strand): 5'-AAGTGCACCCCTGCTGAGTGCCCACGTCAACATGCCTGGGAGCGAGGGGCTGGCGGCCGC[C>T]TGAGACCTGAGCTGCTGTGAAAGCCCCTGCACAATCAGCCAGGGAGAACTGGGCGGGTTT-3'
Protein context (NP_078925.3, residues 583-593): NMPGSEGLAA[Ala593=]

ClinVar aggregate classification (germline): Likely benign. Review status: criteria provided, multiple submitters, no conflicts (2 of 4 stars). 2 submissions from 2 submitters: Likely benign (2). Last evaluated 2025-10-14.

Conditions:
BBS1-related disorder. Also called: BBS1-related condition.
Bardet-Biedl syndrome (BBS). Identifiers: Orphanet 110, MedGen C0752166, MONDO:0015229.

Allele frequency attached by ClinVar (database versions not stated): gnomAD exomes below 0.00001.

Submissions (2):

PreventionGenetics, part of Exact Sciences
Classification: Likely benign for BBS1-related condition. Last evaluated: 2025-10-14. Review status: criteria provided, single submitter. Criteria: ACMG Guidelines, 2015. Collection method: clinical testing. Allele origin: germline.
Comment: This variant is classified as likely benign based on ACMG/AMP sequence variant interpretation guidelines (Richards et al. 2015 PMID: 25741868, with internal and published modifications).

Labcorp Genetics (formerly Invitae), Labcorp
Classification: Likely benign for Bardet-Biedl syndrome. Last evaluated: 2023-10-30. Review status: criteria provided, single submitter. Criteria: Invitae Variant Classification Sherloc (09022015). Collection method: clinical testing. Allele origin: germline.